The following is an entry in ClinVar:

ClinVar aggregate classification (germline): Benign/Likely benign. Review status: criteria provided, multiple submitters, no conflicts (2 of 4 stars). 5 submissions from 5 submitters: Benign (2); Likely benign (3). Last evaluated 2026-02-02.

Allele frequency attached by ClinVar (database versions not stated): 1000 Genomes Project 30x 0.00187; 1000 Genomes Project 0.00200; TOPMed 0.00436; gnomAD 0.00478 and 0.00494; ESP Exome Variant Server 0.00569; gnomAD exomes 0.00600 and 0.00665; ExAC 0.00693.

Submissions (5):

Labcorp Genetics (formerly Invitae), Labcorp
Classification: Benign. Last evaluated: 2026-02-02. Review status: criteria provided, single submitter. Criteria: Invitae Variant Classification Sherloc (09022015). Collection method: clinical testing. Allele origin: germline.

CeGaT Center for Human Genetics Tuebingen
Classification: Likely benign. Last evaluated: 2026-02-01. Review status: criteria provided, single submitter. Criteria: CeGaT Center For Human Genetics Tuebingen Variant Classification Criteria Version 2. Collection method: clinical testing. Allele origin: germline. Affected: yes. Observed: 6 variant alleles.
Comment: TANGO2: BP4, BS2

Mayo Clinic Laboratories, Mayo Clinic
Classification: Benign. Last evaluated: 2023-04-20. Review status: criteria provided, single submitter. Criteria: ACMG Guidelines, 2015. Collection method: clinical testing. Allele origin: germline. Observed: 4 variant alleles.
Comment: BS1, BS2, BP4

GeneDx
Classification: Likely benign. Last evaluated: 2021-04-17. Review status: criteria provided, single submitter. Criteria: GeneDx Variant Classification Process June 2021. Collection method: clinical testing. Allele origin: germline. Affected: yes.

Center for Pediatric Genomic Medicine, Children's Mercy Hospital and Clinics
Classification: Likely benign. Last evaluated: 2016-12-15. Review status: criteria provided, single submitter. Criteria: ACMG Guidelines, 2015. Collection method: clinical testing. Allele origin: germline.
ClinVar note: Converted during submission from Likely Benign to Likely benign.

NM_152906.7(TANGO2):c.419G>A (p.Arg140Gln)

Gene: TANGO2 (transport and golgi organization 2 homolog; plus strand). Cytogenetic location: 22q11.21.
Variant type: single nucleotide variant.
Coding change: c.419G>A on transcript NM_152906.7 (MANE Select); coding-DNA position 419, G replaced by A.
Protein change: p.Arg140Gln; replaces arginine 140 with glutamine.
Molecular consequence: missense variant. On other transcripts: non-coding transcript variant (4), intron variant (11).
Genome position (GRCh38, 1-based): chr22:20,055,981, G>A. VCF-style: chr22-20055981-G-A. GRCh37 (hg19) VCF-style: chr22-20043504-G-A.
Other names: p.Arg140Gln; c.419G>A, p.Arg140Gln (NM_001283106.3, NM_001283116.3, NM_001283148.3 and 2 more transcripts); c.542G>A, p.Arg181Gln (NM_001283129.3, NM_001283215.3, NM_001322141.2 and 2 more transcripts); c.125G>A, p.Arg42Gln (NM_001283235.3, NM_001322150.2, NM_001322153.2 and 6 more transcripts); c.317G>A, p.Arg106Gln (NM_001322146.2, NM_001322148.2, NM_001322160.2); c.265+3397G>A (NM_001322163.2, NM_001283179.3, NM_001322167.2 and 4 more transcripts); c.388+3397G>A (NM_001322145.2, NM_001322147.2); c.380+2430G>A (NM_001283199.3); and 1 more; short protein forms R140Q, R42Q, R181Q, R106Q.
Identifiers: ClinVar variation 376931 (VCV000376931.39), dbSNP rs142442293, ClinGen allele CA10106353.